The following is an entry in ClinVar:

NM_032043.3(BRIP1):c.901T>G (p.Leu301Val)

Gene: BRIP1 (BRCA1 interacting DNA helicase 1; minus strand). Cytogenetic location: 17q23.2.
Variant type: single nucleotide variant.
Coding change: c.901T>G on transcript NM_032043.3 (MANE Select); coding-DNA position 901, T replaced by G.
Protein change: p.Leu301Val; replaces leucine 301 with valine.
Molecular consequence: missense variant.
Genome position (GRCh38, 1-based): chr17:61,808,484, A>C on the plus strand (T>G on the coding strand, the complement: BRIP1 is on the minus strand). VCF-style: chr17-61808484-A-C. GRCh37 (hg19) VCF-style: chr17-59885845-A-C.
Other names: short protein forms L301V.
Identifiers: ClinVar variation 1721944 (VCV001721944.7), dbSNP rs2145411199, ClinGen allele CA400484668.

ClinVar aggregate classification (germline): Uncertain significance. Review status: criteria provided, multiple submitters, no conflicts (2 of 4 stars). 2 submissions from 2 submitters: Uncertain significance (2). Last evaluated 2023-01-04.

Conditions:
Familial cancer of breast. Also called: BREAST CANCER, FAMILIAL; Hereditary breast cancer; hereditary breast carcinoma. Identifiers: Orphanet 227535, MedGen C0346153, MONDO:0016419, OMIM 114480. Disease mechanism: loss of function.
Fanconi anemia complementation group J. Also called: BRIP1-Related Fanconi Anemia. Identifiers: Orphanet 84, MedGen C1836860, MONDO:0012187, OMIM 609054.
Hereditary cancer-predisposing syndrome. Also called: Hereditary Cancer Syndrome; Hereditary neoplastic syndrome; Neoplastic Syndromes, Hereditary; Tumor predisposition. Identifiers: Orphanet 140162, MedGen C0027672, MeSH D009386, MONDO:0015356.

Submissions (2):

Ambry Genetics
Classification: Uncertain significance for Hereditary cancer-predisposing syndrome. Last evaluated: 2023-01-04. Review status: criteria provided, single submitter. Criteria: Ambry Variant Classification Scheme 2023. Collection method: clinical testing. Allele origin: germline.
Comment: The p.L301V variant (also known as c.901T>G), located in coding exon 6 of the BRIP1 gene, results from a T to G substitution at nucleotide position 901. The leucine at codon 301 is replaced by valine, an amino acid with highly similar properties. This amino acid position is conserved. In addition, this alteration is predicted to be tolerated by in silico analysis. Since supporting evidence is limited at this time, the clinical significance of this alteration remains unclear.

Labcorp Genetics (formerly Invitae), Labcorp
Classification: Uncertain significance for Familial cancer of breast; Fanconi anemia complementation group J. Last evaluated: 2022-10-24. Review status: criteria provided, single submitter. Criteria: Invitae Variant Classification Sherloc (09022015). Collection method: clinical testing. Allele origin: germline.
Comment: Advanced modeling of protein sequence and biophysical properties (such as structural, functional, and spatial information, amino acid conservation, physicochemical variation, residue mobility, and thermodynamic stability) performed at Invitae indicates that this missense variant is expected to disrupt BRIP1 protein function. This sequence change replaces leucine, which is neutral and non-polar, with valine, which is neutral and non-polar, at codon 301 of the BRIP1 protein (p.Leu301Val). This variant is not present in population databases (gnomAD no frequency). This variant has not been reported in the literature in individuals affected with BRIP1-related conditions. In summary, the available evidence is currently insufficient to determine the role of this variant in disease. Therefore, it has been classified as a Variant of Uncertain Significance.